The following is an entry in ClinVar:

ClinVar aggregate classification (germline): Uncertain significance (1 of 4 stars; one submission).

Conditions:
Epileptic encephalopathy. Identifiers: MedGen C0543888, HP:0200134.

Allele frequency attached by ClinVar (database versions not stated): gnomAD 0.00001; gnomAD exomes 0.00001 and 0.00003; TOPMed 0.00002; ExAC 0.00003.
gnomAD v4.1: 19 of 1,610,968 alleles (0.0012%); highest among the groups gnomAD compares: Admixed American, 0.01%; no homozygotes.

Submission:

Labcorp Genetics (formerly Invitae), Labcorp
Classification: Uncertain significance for Epileptic encephalopathy. Last evaluated: 2024-02-16. Review status: criteria provided, single submitter. Criteria: Invitae Variant Classification Sherloc (09022015). Collection method: clinical testing. Allele origin: germline.
Comment: This sequence change replaces arginine, which is basic and polar, with glutamine, which is neutral and polar, at codon 1405 of the FASN protein (p.Arg1405Gln). This variant is present in population databases (rs777862786, gnomAD 0.02%). This variant has not been reported in the literature in individuals affected with FASN-related conditions. ClinVar contains an entry for this variant (Variation ID: 1433242). An algorithm developed to predict the effect of missense changes on protein structure and function (PolyPhen-2) suggests that this variant is likely to be tolerated. In summary, the available evidence is currently insufficient to determine the role of this variant in disease. Therefore, it has been classified as a Variant of Uncertain Significance.

NM_004104.5(FASN):c.4214G>A (p.Arg1405Gln)

Gene: FASN (fatty acid synthase; minus strand). Cytogenetic location: 17q25.3.
Variant type: single nucleotide variant.
Coding change: c.4214G>A on transcript NM_004104.5 (MANE Select); coding-DNA position 4214, G replaced by A.
Protein change: p.Arg1405Gln; replaces arginine 1405 with glutamine.
Molecular consequence: missense variant.
Genome position (GRCh38, 1-based): chr17:82,085,311, C>T on the plus strand (G>A on the coding strand, the complement: FASN is on the minus strand). VCF-style: chr17-82085311-C-T. GRCh37 (hg19) VCF-style: chr17-80043187-C-T.
Other names: short protein forms R1405Q.
Identifiers: ClinVar variation 1433242 (VCV001433242.8), dbSNP rs777862786, ClinGen allele CA8852148.